The following is an entry in ClinVar:

ClinVar aggregate classification (germline): Uncertain significance. Review status: criteria provided, multiple submitters, no conflicts (2 of 4 stars). 2 submissions from 2 submitters: Uncertain significance (2). Last evaluated 2025-08-03.

Conditions:
Hereditary cancer-predisposing syndrome. Also called: Neoplastic Syndromes, Hereditary; Hereditary Cancer Syndrome; Hereditary neoplastic syndrome; Tumor predisposition. Identifiers: Orphanet 140162, MedGen C0027672, MeSH D009386, MONDO:0015356.

Submissions (2):

Ambry Genetics
Classification: Uncertain significance for Hereditary cancer-predisposing syndrome. Last evaluated: 2025-08-03. Review status: criteria provided, single submitter. Criteria: Ambry Variant Classification Scheme 2023. Collection method: clinical testing. Allele origin: germline.
Comment: The p.E610G variant (also known as c.1829A>G), located in coding exon 12 of the CTNNA1 gene, results from an A to G substitution at nucleotide position 1829. The glutamic acid at codon 610 is replaced by glycine, an amino acid with similar properties. This amino acid position is conserved. In addition, this alteration is predicted to be deleterious by in silico analysis. Based on the available evidence, the clinical significance of this variant remains unclear.

Labcorp Genetics (formerly Invitae), Labcorp
Classification: Uncertain significance. Last evaluated: 2022-03-09. Review status: criteria provided, single submitter. Criteria: Invitae Variant Classification Sherloc (09022015). Collection method: clinical testing. Allele origin: germline.
Comment: In summary, the available evidence is currently insufficient to determine the role of this variant in disease. Therefore, it has been classified as a Variant of Uncertain Significance. Algorithms developed to predict the effect of missense changes on protein structure and function (SIFT, PolyPhen-2, Align-GVGD) all suggest that this variant is likely to be tolerated. This variant has not been reported in the literature in individuals affected with CTNNA1-related conditions. This variant is not present in population databases (gnomAD no frequency). This sequence change replaces glutamic acid, which is acidic and polar, with glycine, which is neutral and non-polar, at codon 610 of the CTNNA1 protein (p.Glu610Gly).

NM_001903.5(CTNNA1):c.1829A>G (p.Glu610Gly)

Gene: CTNNA1 (catenin alpha 1; plus strand). Cytogenetic location: 5q31.2.
Variant type: single nucleotide variant.
Coding change: c.1829A>G on transcript NM_001903.5 (MANE Select); coding-DNA position 1829, A replaced by G.
Protein change: p.Glu610Gly; replaces glutamic acid 610 with glycine.
Molecular consequence: missense variant.
Genome position (GRCh38, 1-based): chr5:138,925,337, A>G. VCF-style: chr5-138925337-A-G. GRCh37 (hg19) VCF-style: chr5-138261026-A-G.
Other names: c.1829A>G, p.Glu610Gly (NM_001290307.3, NM_001323982.2, NM_001323983.1 and 2 more transcripts); c.1520A>G, p.Glu507Gly (NM_001290309.3); c.1460A>G, p.Glu487Gly (NM_001290310.3); c.719A>G, p.Glu240Gly (NM_001290312.1, NM_001323987.1, NM_001323988.1 and 17 more transcripts); c.1736A>G, p.Glu579Gly (NM_001323986.2); c.380A>G, p.Glu127Gly (NM_001324006.1, NM_001324007.1, NM_001324008.1 and 2 more transcripts); c.626A>G, p.Glu209Gly (NM_001324011.1); c.476A>G, p.Glu159Gly (NM_001324012.1, NM_001324013.1); and 1 more; short protein forms E159G, E240G, E487G, E507G, E127G, E209G, E610G, E579G.
Identifiers: ClinVar variation 2107978 (VCV002107978.5), dbSNP rs2533735004, ClinGen allele CA361132298.